The following is an entry in ClinVar:

NM_000258.3(MYL3):c.541G>A (p.Gly181Ser)

Gene: MYL3 (myosin light chain 3; minus strand). Cytogenetic location: 3p21.31.
Variant type: single nucleotide variant.
Coding change: c.541G>A on transcript NM_000258.3 (MANE Select); coding-DNA position 541, G replaced by A.
Protein change: p.Gly181Ser; replaces glycine 181 with serine.
Molecular consequence: missense variant.
Genome position (GRCh38, 1-based): chr3:46,858,402, C>T on the plus strand (G>A on the coding strand, the complement: MYL3 is on the minus strand). VCF-style: chr3-46858402-C-T. GRCh37 (hg19) VCF-style: chr3-46899892-C-T.
Other names: c.541G>A, p.Gly181Ser (NM_001406937.1, NM_001406938.1, NM_001406939.1); c.367G>A, p.Gly123Ser (NM_001406940.1); c.352G>A, p.Gly118Ser (NM_001406941.1); short protein forms G118S, G123S, G181S.
Identifiers: ClinVar variation 3075507 (VCV003075507.1), dbSNP rs2544962999, ClinGen allele CA352495337.

ClinVar aggregate classification (germline): Uncertain significance (1 of 4 stars; one submission).

Conditions:
Hypertrophic cardiomyopathy. Also called: HYPERTROPHIC MYOCARDIOPATHY. Identifiers: Orphanet 217569, MedGen C0007194, MeSH D002312, MONDO:0005045, HP:0001639.

Submission:

All of Us Research Program, National Institutes of Health
Classification: Uncertain significance for Hypertrophic cardiomyopathy. Last evaluated: 2023-06-26. Review status: criteria provided, single submitter. Criteria: ACMG Guidelines, 2015. Collection method: clinical testing. Allele origin: germline. Inheritance: Autosomal dominant inheritance. Observed: 1 variant allele, 1 heterozygote.
Comment: This missense variant replaces glycine with serine at codon 181 of the MYL3 protein. Computational prediction suggests that this variant may have deleterious impact on protein structure and function (internally defined REVEL score threshold >= 0.7, PMID: 27666373). To our knowledge, functional studies have not been reported for this variant. This variant has not been reported in individuals affected with MYL3-related disorders in the literature. This variant has not been identified in the general population by the Genome Aggregation Database (gnomAD). The available evidence is insufficient to determine the role of this variant in disease conclusively. Therefore, this variant is classified as a Variant of Uncertain Significance.

This study involves interpretation of variants in research participants for the purpose of population health screening. Participant phenotype was not available at the time of variant classification. Additional details can be found in publication PMID: 35346344, PMCID: PMC8962531